The following is an entry in ClinVar:

ClinVar aggregate classification (germline): Likely benign. Review status: criteria provided, multiple submitters, no conflicts (2 of 4 stars). 2 submissions from 2 submitters: Likely benign (2). Last evaluated 2025-03-04.

Allele frequency attached by ClinVar (database versions not stated): gnomAD 0.00006; gnomAD exomes 0.00009 and 0.00011; TOPMed 0.00005; ExAC 0.00013.
gnomAD v4.1: 163 of 1,614,068 alleles (0.01%); highest among the groups gnomAD compares: Non-Finnish European, 0.013%; 1 homozygote.

Submissions (2):

Center for Genomic Medicine, Rigshospitalet, Copenhagen University Hospital
Classification: Likely benign. Last evaluated: 2025-03-04. Review status: criteria provided, single submitter. Criteria: ACMG Guidelines, 2015. Collection method: clinical testing. Allele origin: germline.

CeGaT Center for Human Genetics Tuebingen
Classification: Likely benign. Last evaluated: 2024-08-01. Review status: criteria provided, single submitter. Criteria: CeGaT Center For Human Genetics Tuebingen Variant Classification Criteria Version 2. Collection method: clinical testing. Allele origin: germline. Affected: yes. Observed: 1 variant allele.
Comment: CDKN2A: BP4, BP7

NM_000077.5(CDKN2A):c.150+27A>C

Gene: CDKN2A (cyclin dependent kinase inhibitor 2A; minus strand). Cytogenetic location: 9p21.3.
Variant type: single nucleotide variant.
Coding change: c.150+27A>C on transcript NM_000077.5 (MANE Select); 27 bases into the intron after coding-DNA position 150, A replaced by C.
Molecular consequence: intron variant. On other transcripts: synonymous variant (1).
Genome position (GRCh38, 1-based): chr9:21,974,651, T>G on the plus strand (A>C on the coding strand, the complement: CDKN2A is on the minus strand). VCF-style: chr9-21974651-T-G. GRCh37 (hg19) VCF-style: chr9-21974650-T-G.
Other names: c.150+27A>C (NM_001195132.2); c.177A>C, p.Ala59= (NM_058197.5); c.-3-3443A>C (NM_001363763.2); c.194-3443A>C (NM_058195.4).
Identifiers: ClinVar variation 1697450 (VCV001697450.23), dbSNP rs762508111, ClinGen allele CA5012299.
Genomic context (GRCh38, chr9:21,974,651, plus strand): 5'-AGCGCTACCTGATTCCAATTCCCCTGCAAACTTCGTCCTCCAGAGTCGCCCGCCATCCCC[T>G]GCTCCCGCTGCAGACCCTCTACCCACCTGGATCGGCCTCCGACCGTAACTATTCGGTGCG-3'